The following is an entry in ClinVar:

ClinVar aggregate classification (germline): Uncertain significance. Review status: criteria provided, single submitter (1 of 4 stars). 2 submissions from 2 submitters: Uncertain significance (1). 1 of the submissions does not count toward it. Last evaluated 2022-05-17.

Conditions:
Usher syndrome type 1 (USH1). Also called: RETINITIS PIGMENTOSA AND CONGENITAL DEAFNESS. Identifiers: Orphanet 231169, Orphanet 886, MedGen C1568247, MONDO:0010168, OMIM 276900.

Submissions (2):

Labcorp Genetics (formerly Invitae), Labcorp
Classification: Uncertain significance. Last evaluated: 2022-05-17. Review status: criteria provided, single submitter. Criteria: Invitae Variant Classification Sherloc (09022015). Collection method: clinical testing. Allele origin: germline.
Comment: Algorithms developed to predict the effect of missense changes on protein structure and function are either unavailable or do not agree on the potential impact of this missense change (SIFT: "Deleterious"; PolyPhen-2: "Not Available"; Align-GVGD: "Class C65"). This variant has not been reported in the literature in individuals affected with CDH23-related conditions. This variant is not present in population databases (gnomAD no frequency). This sequence change replaces glycine, which is neutral and non-polar, with glutamic acid, which is acidic and polar, at codon 2329 of the CDH23 protein (p.Gly2329Glu). In summary, the available evidence is currently insufficient to determine the role of this variant in disease. Therefore, it has been classified as a Variant of Uncertain Significance.

Natera, Inc.
Classification: Uncertain significance for Usher syndrome type 1. Last evaluated: 2025-04-12. Review status: no assertion criteria provided. Collection method: clinical testing. Allele origin: germline. Not counted in ClinVar's aggregate classification.

NM_022124.6(CDH23):c.6986G>A (p.Gly2329Glu)

Gene: CDH23 (cadherin related 23; plus strand). Cytogenetic location: 10q22.1.
Variant type: single nucleotide variant.
Coding change: c.6986G>A on transcript NM_022124.6 (MANE Select); coding-DNA position 6986, G replaced by A.
Protein change: p.Gly2329Glu; replaces glycine 2329 with glutamic acid.
Molecular consequence: missense variant.
Genome position (GRCh38, 1-based): chr10:71,798,510, G>A. VCF-style: chr10-71798510-G-A. GRCh37 (hg19) VCF-style: chr10-73558267-G-A.
Other names: c.266G>A, p.Gly89Glu (NM_001171933.1, NM_001171934.1); c.6986G>A (NM_022124.5); short protein forms G2329E, G89E.
Identifiers: ClinVar variation 1995513 (VCV001995513.5), dbSNP rs2494400602, ClinGen allele CA377158179.